The following is an entry in ClinVar:

NM_001458.5(FLNC):c.601+4A>G

Gene: FLNC (filamin C; plus strand). Cytogenetic location: 7q32.1.
Variant type: single nucleotide variant.
Coding change: c.601+4A>G on transcript NM_001458.5 (MANE Select); 4 bases into the intron after coding-DNA position 601, A replaced by G.
Molecular consequence: intron variant.
Genome position (GRCh38, 1-based): chr7:128,835,578, A>G. VCF-style: chr7-128835578-A-G. GRCh37 (hg19) VCF-style: chr7-128475632-A-G.
Other names: c.601+4A>G (NM_001127487.2).
Identifiers: ClinVar variation 3756792 (VCV003756792.2).
Genomic context (GRCh38, chr7:128,835,578, plus strand): 5'-ACCGTGACTGGCAGGACGGCAAAGCTCTGGGCGCCCTGGTGGACAACTGCGCCCCCGGTG[A>G]GTGGGCCAGTGAGCACAGCATGGAGCCCTTAGCTCCCAAAGACAGAGGGGACAAGCTGGG-3'

ClinVar aggregate classification (germline): Uncertain significance (1 of 4 stars; one submission).

Conditions:
Distal myopathy with posterior leg and anterior hand involvement. Also called: WILLIAMS DISTAL MYOPATHY. Identifiers: Orphanet 63273, MedGen C3279722, MONDO:0013550, OMIM 614065.
Hypertrophic cardiomyopathy 26. Also called: Cardiomyopathy, familial hypertrophic, 26. Identifiers: Orphanet 75249, MedGen C4310749, MONDO:0014883, OMIM 617047.
Myofibrillar myopathy 5. Also called: Filaminopathy (type); FILAMINOPATHY, AUTOSOMAL DOMINANT. Identifiers: Orphanet 171445, MedGen C1836050, MONDO:0012289, OMIM 609524.

Submission:

Labcorp Genetics (formerly Invitae), Labcorp
Classification: Uncertain significance for Distal myopathy with posterior leg and anterior hand involvement; Myofibrillar myopathy 5; Hypertrophic cardiomyopathy 26. Last evaluated: 2024-06-12. Review status: criteria provided, single submitter. Criteria: Invitae Variant Classification Sherloc (09022015). Collection method: clinical testing. Allele origin: germline.
Comment: This sequence change falls in intron 2 of the FLNC gene. It does not directly change the encoded amino acid sequence of the FLNC protein. It affects a nucleotide within the consensus splice site. This variant is not present in population databases (gnomAD no frequency). This variant has not been reported in the literature in individuals affected with FLNC-related conditions. Variants that disrupt the consensus splice site are a relatively common cause of aberrant splicing (PMID: 17576681, 9536098). Algorithms developed to predict the effect of sequence changes on RNA splicing suggest that this variant may disrupt the consensus splice site. In summary, the available evidence is currently insufficient to determine the role of this variant in disease. Therefore, it has been classified as a Variant of Uncertain Significance.

Literature cited by the submitters: PubMed 17576681; PubMed 9536098.